The following is an entry in ClinVar:

NM_153240.5(NPHP3):c.2171+151A>G

Genes: NPHP3 (nephrocystin 3; minus strand), NPHP3-ACAD11 (NPHP3-ACAD11 readthrough (NMD candidate); minus strand). Cytogenetic location: 3q22.1.
Variant type: single nucleotide variant.
Coding change: c.2171+151A>G on transcript NM_153240.5 (MANE Select); 151 bases into the intron after coding-DNA position 2171, A replaced by G.
Molecular consequence: intron variant.
Genome position (GRCh38, 1-based): chr3:132,696,580, T>C on the plus strand (A>G on the coding strand, the complement: NPHP3 is on the minus strand). VCF-style: chr3-132696580-T-C. GRCh37 (hg19) VCF-style: chr3-132415424-T-C.
Identifiers: ClinVar variation 667698 (VCV000667698.2), dbSNP rs76177059, ClinGen allele CA83590950.

ClinVar aggregate classification (germline): Benign. Review status: criteria provided, multiple submitters, no conflicts (2 of 4 stars). 2 submissions from 2 submitters: Benign (2). Last evaluated 2018-06-16.

Allele frequency attached by ClinVar (database versions not stated): 1000 Genomes Project 30x 0.03810; 1000 Genomes Project 0.03934; TOPMed 0.05680; gnomAD 0.06173 and 0.06202.
gnomAD v4.1: 54,854 of 730,784 alleles (7.5%); highest among the groups gnomAD compares: Non-Finnish European, 8.9%; 2,533 homozygotes.

Submissions (2):

GeneDx
Classification: Benign. Last evaluated: 2018-06-16. Review status: criteria provided, single submitter. Criteria: GeneDx Variant Classification (06012015). Collection method: clinical testing. Allele origin: germline. Affected: yes.
Comment: This variant is considered likely benign or benign based on one or more of the following criteria: it is a conservative change, it occurs at a poorly conserved position in the protein, it is predicted to be benign by multiple in silico algorithms, and/or has population frequency not consistent with disease.

Breakthrough Genomics
Classification: Benign. Review status: criteria provided, single submitter. Criteria: ACMG Guidelines, 2015. Collection method: not provided. Allele origin: germline. Inheritance: Autosomal recessive inheritance. Affected: yes.